The following is an entry in ClinVar:

ClinVar aggregate classification (germline): Uncertain significance (1 of 4 stars; one submission).

Conditions:
TFE3-related disorder. Also called: TFE3-related condition.

Submission:

PreventionGenetics, part of Exact Sciences
Classification: Uncertain significance for TFE3-related condition. Last evaluated: 2025-11-06. Review status: criteria provided, single submitter. Criteria: ACMG Guidelines, 2015. Collection method: clinical testing. Allele origin: germline.
Comment: The TFE3 c.481G>A variant is predicted to result in the amino acid substitution p.Gly161Ser. To our knowledge, this variant has not been reported in the literature or in a large population database (gnomAD), indicating this variant is rare. At this time, the clinical significance of this variant is uncertain due to the absence of conclusive functional and genetic evidence.

NM_006521.6(TFE3):c.481G>A (p.Gly161Ser)

Gene: TFE3 (transcription factor binding to IGHM enhancer 3; minus strand). Cytogenetic location: Xp11.23.
Variant type: single nucleotide variant.
Coding change: c.481G>A on transcript NM_006521.6 (MANE Select); coding-DNA position 481, G replaced by A.
Protein change: p.Gly161Ser; replaces glycine 161 with serine.
Molecular consequence: missense variant.
Genome position (GRCh38, 1-based): chrX:49,039,160, C>T on the plus strand (G>A on the coding strand, the complement: TFE3 is on the minus strand). VCF-style: chrX-49039160-C-T. GRCh37 (hg19) VCF-style: chrX-48896685-C-T.
Other names: c.166G>A, p.Gly56Ser (NM_001282142.2); short protein forms G161S, G56S.
Identifiers: ClinVar variation 4993685 (VCV004993685.1).